The following is an entry in ClinVar:

NM_000444.6(PHEX):c.1059del (p.Ile353_Leu354insTer)

Gene: PHEX (phosphate regulating endopeptidase X-linked; plus strand). Cytogenetic location: Xp22.11.
Variant type: Deletion.
Coding change: c.1059del on transcript NM_000444.6 (MANE Select); coding-DNA position 1059, one base deleted (A; older notation c.1059delA).
Protein change: p.Ile353_Leu354insTer.
Molecular consequence: frameshift variant.
Genome position (GRCh38, 1-based): chrX:22,099,131, A deleted. VCF-style (leftmost placement, unchanged base first): chrX-22099130-TA-T. GRCh37 (hg19) VCF-style: chrX-22117248-TA-T.
Other names: c.1059del, p.Ile353_Leu354insTer (NM_001282754.2).
Identifiers: ClinVar variation 1410281 (VCV001410281.6), dbSNP rs2147047536, ClinGen allele CA2573158760.

ClinVar aggregate classification (germline): Pathogenic (1 of 4 stars; one submission).

Submission:

Labcorp Genetics (formerly Invitae), Labcorp
Classification: Pathogenic. Last evaluated: 2022-06-08. Review status: criteria provided, single submitter. Criteria: Invitae Variant Classification Sherloc (09022015). Collection method: clinical testing. Allele origin: germline.
Comment: This variant has not been reported in the literature in individuals affected with PHEX-related conditions. Algorithms developed to predict the effect of sequence changes on RNA splicing suggest that this variant may disrupt the consensus splice site. This variant is not present in population databases (gnomAD no frequency). This sequence change creates a premature translational stop signal (p.Leu354*) in the PHEX gene. It is expected to result in an absent or disrupted protein product. Loss-of-function variants in PHEX are known to be pathogenic (PMID: 9097956, 9106524, 19219621). For these reasons, this variant has been classified as Pathogenic.

Literature cited by the submitters: PubMed 9097956; PubMed 9106524; PubMed 19219621.